The following is an entry in ClinVar:

NM_018714.3(COG1):c.2600G>A (p.Arg867His)

Gene: COG1 (component of oligomeric golgi complex 1; plus strand). Cytogenetic location: 17q25.1.
Variant type: single nucleotide variant.
Coding change: c.2600G>A on transcript NM_018714.3 (MANE Select); coding-DNA position 2600, G replaced by A.
Protein change: p.Arg867His; replaces arginine 867 with histidine.
Molecular consequence: missense variant.
Genome position (GRCh38, 1-based): chr17:73,206,243, G>A. VCF-style: chr17-73206243-G-A. GRCh37 (hg19) VCF-style: chr17-71202382-G-A.
Other names: short protein forms R867H.
Identifiers: ClinVar variation 1440142 (VCV001440142.5), dbSNP rs374341080, ClinGen allele CA293811543.

ClinVar aggregate classification (germline): Uncertain significance (1 of 4 stars; one submission).

Conditions:
COG1 congenital disorder of glycosylation (CDG2G). Also called: CONGENITAL DISORDER OF GLYCOSYLATION, TYPE IIg; CDG IIg; CDGII/COG1 CEREBROCOSTOMANDIBULAR-LIKE SYNDROME. Identifiers: Orphanet 263508, MedGen C2931011, MONDO:0012637, OMIM 611209.

Allele frequency attached by ClinVar (database versions not stated): gnomAD 0.00001; gnomAD exomes 0.00001 and 0.00004; TOPMed 0.00002; ESP Exome Variant Server 0.00008.

Submission:

Labcorp Genetics (formerly Invitae), Labcorp
Classification: Uncertain significance for COG1 congenital disorder of glycosylation. Last evaluated: 2021-09-17. Review status: criteria provided, single submitter. Criteria: Invitae Variant Classification Sherloc (09022015). Collection method: clinical testing. Allele origin: germline.
Comment: This sequence change replaces arginine with histidine at codon 867 of the COG1 protein (p.Arg867His). The arginine residue is highly conserved and there is a small physicochemical difference between arginine and histidine. This variant is not present in population databases (ExAC no frequency). This variant has not been reported in the literature in individuals affected with COG1-related conditions. Algorithms developed to predict the effect of missense changes on protein structure and function (SIFT, PolyPhen-2, Align-GVGD) all suggest that this variant is likely to be tolerated. In summary, the available evidence is currently insufficient to determine the role of this variant in disease. Therefore, it has been classified as a Variant of Uncertain Significance.